The following is an entry in ClinVar:

ClinVar aggregate classification (germline): Uncertain significance (1 of 4 stars; one submission).

gnomAD v4.1: 1 of 1,611,472 alleles (0.000062%); no homozygotes.

Submission:

GeneDx
Classification: Uncertain significance. Last evaluated: 2022-05-31. Review status: criteria provided, single submitter. Criteria: GeneDx Variant Classification Process June 2021. Collection method: clinical testing. Allele origin: germline. Affected: yes.
Comment: Not observed at significant frequency in large population cohorts (gnomAD); In silico analysis supports that this missense variant has a deleterious effect on protein structure/function; Has not been previously published as pathogenic or benign to our knowledge

NM_000170.3(GLDC):c.2297G>A (p.Gly766Asp)

Gene: GLDC (glycine decarboxylase; minus strand). Cytogenetic location: 9p24.1.
Variant type: single nucleotide variant.
Coding change: c.2297G>A on transcript NM_000170.3 (MANE Select); coding-DNA position 2297, G replaced by A.
Protein change: p.Gly766Asp; replaces glycine 766 with aspartic acid.
Molecular consequence: missense variant.
Genome position (GRCh38, 1-based): chr9:6,554,687, C>T on the plus strand (G>A on the coding strand, the complement: GLDC is on the minus strand). VCF-style: chr9-6554687-C-T. GRCh37 (hg19) VCF-style: chr9-6554687-C-T.
Other names: short protein forms G766D.
Identifiers: ClinVar variation 1802003 (VCV001802003.1), dbSNP rs750384225, ClinGen allele CA372880075.